The following is an entry in ClinVar:

ClinVar aggregate classification (germline): Uncertain significance (1 of 4 stars; one submission).

Conditions:
Familial thoracic aortic aneurysm and aortic dissection (TAAD). Also called: Thoracic aortic aneurysms and dissections. Identifiers: Orphanet 91387, MedGen C4707243, MONDO:0019625.

Submission:

Color Diagnostics, LLC DBA Color Health
Classification: Uncertain significance for Familial thoracic aortic aneurysm and aortic dissection. Last evaluated: 2023-07-11. Review status: criteria provided, single submitter. Criteria: ACMG Guidelines, 2015. Collection method: clinical testing. Allele origin: germline.
Comment: This missense variant replaces glutamine with arginine at codon 1888 of the MYH11 protein. Computational prediction is inconclusive regarding the impact of this variant on protein structure and function (internally defined REVEL score threshold 0.5 < inconclusive < 0.7, PMID: 27666373). To our knowledge, functional studies have not been reported for this variant. This variant has not been reported in individuals affected with MYH11-related disorders in the literature. This variant has not been identified in the general population by the Genome Aggregation Database (gnomAD). The available evidence is insufficient to determine the role of this variant in disease conclusively. Therefore, this variant is classified as a Variant of Uncertain Significance.

NM_002474.3(MYH11):c.5642A>G (p.Gln1881Arg)

Genes: NDE1 (nudE neurodevelopment protein 1; plus strand), MYH11 (myosin heavy chain 11; minus strand). Cytogenetic location: 16p13.11.
Variant type: single nucleotide variant.
Coding change: c.5642A>G on transcript NM_002474.3 (MANE Select); coding-DNA position 5642, A replaced by G.
Protein change: p.Gln1881Arg; replaces glutamine 1881 with arginine.
Molecular consequence: missense variant. On other transcripts: intron variant (2).
Genome position (GRCh38, 1-based): chr16:15,715,053, T>C on the plus strand (A>G on the coding strand, the complement: MYH11 is on the minus strand). VCF-style: chr16-15715053-T-C. GRCh37 (hg19) VCF-style: chr16-15808910-T-C.
Other names: c.5663A>G, p.Gln1888Arg (NM_001040113.2, NM_001040114.2); c.5642A>G, p.Gln1881Arg (NM_022844.3); c.948-9138T>C (NM_001143979.2, NM_017668.3); short protein forms Q1881R, Q1888R.
Identifiers: ClinVar variation 2773785 (VCV002773785.2), dbSNP rs2510048140, ClinGen allele CA394847032.
Genomic context (GRCh38, chr16:15,715,053, plus strand): 5'-CTGCGGTTGGCGTTGATGCGCTGGGACTCCTCCTCTGCCTCCTCCAGCTGCCTCTTGAGC[T>C]GCTTGACCCTGGCATTGCCTTTCTCTGCCTGTCGCGGAGAGTTGGAGGGGTGGTTAGGGG-3'
Protein context (NP_002465.1, residues 1871-1891): QAEKGNARVK[Gln1881Arg]LKRQLEEAEE